The following is an entry in ClinVar:

ClinVar aggregate classification (germline): Uncertain significance (1 of 4 stars; one submission).

Conditions:
Dystonic disorder. Also called: Dystonia. Identifiers: MedGen C0013421, MONDO:0003441, HP:0001332.

Submission:

Labcorp Genetics (formerly Invitae), Labcorp
Classification: Uncertain significance for Dystonic disorder. Last evaluated: 2025-07-09. Review status: criteria provided, single submitter. Criteria: Invitae Variant Classification Sherloc (09022015). Collection method: clinical testing. Allele origin: germline.
Comment: This sequence change replaces leucine, which is neutral and non-polar, with methionine, which is neutral and non-polar, at codon 23 of the SPR protein (p.Leu23Met). Information on the frequency of this variant in the gnomAD database is not available, as this variant may be reported differently in the database. This variant has not been reported in the literature in individuals affected with SPR-related conditions. ClinVar contains an entry for this variant (Variation ID: 2148663). Experimental studies and prediction algorithms are not available or were not evaluated, and the functional significance of this variant is currently unknown. In summary, the available evidence is currently insufficient to determine the role of this variant in disease. Therefore, it has been classified as a Variant of Uncertain Significance.

NM_003124.5(SPR):c.66_67delinsTA (p.Leu23Met)

Genes: SPR (sepiapterin reductase; plus strand), LOC129934069 (ATAC-STARR-seq lymphoblastoid silent region 11626; plus strand). Cytogenetic location: 2p13.2.
Variant type: Indel.
Coding change: c.66_67delinsTA on transcript NM_003124.5 (MANE Select); coding-DNA positions 66 to 67, GC replaced by TA.
Protein change: p.Leu23Met; replaces leucine 23 with methionine.
Molecular consequence: missense variant.
Genome position (GRCh38, 1-based): chr2:72,887,498-72,887,499, GC replaced by TA. VCF-style: chr2-72887498-GC-TA. GRCh37 (hg19) VCF-style: chr2-73114627-GC-TA.
Other names: short protein forms L23M.
Identifiers: ClinVar variation 2148663 (VCV002148663.2), dbSNP rs2528313299, ClinGen allele CA2580067863.